The following is an entry in ClinVar:

ClinVar aggregate classification (germline): Conflicting classifications of pathogenicity. Review status: criteria provided, conflicting classifications (1 of 4 stars). 2 submissions from 2 submitters: Uncertain significance (1); Likely benign (1). Last evaluated 2026-05-06.

Conditions:
PMP22-related disorder. Also called: PMP22-related condition; PMP22-related disorders.

gnomAD v4.1: 46 of 717,626 alleles (0.0064%); highest among the groups gnomAD compares: Non-Finnish European, 0.011%; no homozygotes.

Submissions (2):

PreventionGenetics, part of Exact Sciences
Classification: Uncertain significance for PMP22-related condition. Last evaluated: 2026-05-06. Review status: criteria provided, single submitter. Criteria: ACMG Guidelines, 2015. Collection method: clinical testing. Allele origin: germline.
Comment: The PMP22 c.340T>A variant is predicted to result in the amino acid substitution p.Cys114Ser. To our knowledge, this variant has not been reported in the literature. This variant is reported in 0.0084% of alleles in individuals of European (Non-Finnish) descent in gnomAD. At this time, the clinical significance of this variant is uncertain due to the absence of conclusive functional and genetic evidence.

Blueprint Genetics
Classification: Likely benign. Last evaluated: 2024-09-05. Review status: criteria provided, single submitter. Criteria: ACMG Guidelines, 2015. Collection method: clinical testing. Allele origin: germline.

NM_000304.4(PMP22):c.320-4184T>A

Gene: PMP22 (peripheral myelin protein 22; minus strand). Cytogenetic location: 17p12.
Variant type: single nucleotide variant.
Coding change: c.320-4184T>A on transcript NM_000304.4 (MANE Select); 4184 bases into the intron before coding-DNA position 320, T replaced by A.
Molecular consequence: intron variant. On other transcripts: missense variant (1).
Genome position (GRCh38, 1-based): chr17:15,235,264, A>T on the plus strand (T>A on the coding strand, the complement: PMP22 is on the minus strand). VCF-style: chr17-15235264-A-T. GRCh37 (hg19) VCF-style: chr17-15138581-A-T.
Other names: c.340T>A (NM_001330143.1); c.340T>A, p.Cys114Ser (NM_001330143.2); c.320-4184T>A (NM_001281456.2, NM_153321.3, NM_001281455.2 and 1 more transcripts); short protein forms C114S.
Identifiers: ClinVar variation 4934031 (VCV004934031.2).